The following is an entry in ClinVar:

NM_001130144.3(LTBP3):c.3504C>T (p.Arg1168=)

Gene: LTBP3 (latent transforming growth factor beta binding protein 3; minus strand). Cytogenetic location: 11q13.1.
Variant type: single nucleotide variant.
Coding change: c.3504C>T on transcript NM_001130144.3 (MANE Select); coding-DNA position 3504, C replaced by T.
Protein change: p.Arg1168=; no amino-acid change (arginine 1168 retained).
Molecular consequence: synonymous variant.
Genome position (GRCh38, 1-based): chr11:65,539,763, G>A on the plus strand (C>T on the coding strand, the complement: LTBP3 is on the minus strand). VCF-style: chr11-65539763-G-A. GRCh37 (hg19) VCF-style: chr11-65307234-G-A.
Other names: p.Arg1168=; c.3012C>T, p.Arg1004= (NM_001164266.1); c.3363C>T, p.Arg1121= (NM_021070.4).
Identifiers: ClinVar variation 1620931 (VCV001620931.11), dbSNP rs748664824, ClinGen allele CA6100272.
Genomic context (GRCh38, chr11:65,539,763, plus strand): 5'-CTCCCCGACTGCCTTACCCGCGCCGCGCGGCGGGCACGGTCGGCATTGGGCGCCCCAGCC[G>A]CGGCCCTGGCGGCAGCAGCAGTCGTCGAAGGTGAGGGCAGGCCCGGCCAGGGGGCCAGCG-3'
Protein context (NP_001123616.1, residues 1158-1178): TFDDCCCRQG[Arg1168=]GWGAQCRPCP

ClinVar aggregate classification (germline): Likely benign. Review status: criteria provided, multiple submitters, no conflicts (2 of 4 stars). 3 submissions from 3 submitters: Likely benign (3). Last evaluated 2025-09-11.

Conditions:
Brachyolmia-amelogenesis imperfecta syndrome. Also called: Tooth agenesis, selective, 6; Dental anomalies and short stature; PLATYSPONDYLY WITH AMELOGENESIS IMPERFECTA. Identifiers: Orphanet 2899, MedGen C1832594, MONDO:0011018, OMIM 601216. Disease mechanism: loss of function.
Inborn genetic diseases. Identifiers: MedGen C0950123, MeSH D030342.

Allele frequency attached by ClinVar (database versions not stated): gnomAD 0.00001; TOPMed 0.00001; gnomAD exomes 0.00002; ExAC 0.00006.
gnomAD v4.1: 23 of 1,543,986 alleles (0.0015%); highest among the groups gnomAD compares: Non-Finnish European, 0.0019%; no homozygotes.

Submissions (3):

Mayo Clinic Laboratories, Mayo Clinic
Classification: Likely benign. Last evaluated: 2025-09-11. Review status: criteria provided, single submitter. Criteria: ACMG Guidelines, 2015. Collection method: clinical testing. Allele origin: germline. Observed: 1 variant allele.
Comment: BP4, BP7

Labcorp Genetics (formerly Invitae), Labcorp
Classification: Likely benign for Brachyolmia-amelogenesis imperfecta syndrome. Last evaluated: 2025-03-05. Review status: criteria provided, single submitter. Criteria: Invitae Variant Classification Sherloc (09022015). Collection method: clinical testing. Allele origin: germline.

Ambry Genetics
Classification: Likely benign for Inborn genetic diseases. Last evaluated: 2020-06-09. Review status: criteria provided, single submitter. Criteria: Ambry Variant Classification Scheme 2023. Collection method: clinical testing. Allele origin: germline.